The following is an entry in ClinVar:

ClinVar aggregate classification (germline): Uncertain significance. Review status: criteria provided, multiple submitters, no conflicts (2 of 4 stars). 3 submissions from 3 submitters: Uncertain significance (3). Last evaluated 2023-12-28.

Conditions:
Inborn genetic diseases. Identifiers: MedGen C0950123, MeSH D030342.

Allele frequency attached by ClinVar (database versions not stated): gnomAD 0.00002 and 0.00003; gnomAD exomes 0.00003; ExAC 0.00005; TOPMed 0.00006; ESP Exome Variant Server 0.00008.
gnomAD v4.1: 39 of 1,465,980 alleles (0.0027%); highest among the groups gnomAD compares: Non-Finnish European, 0.0033%; no homozygotes.

Submissions (3):

Ambry Genetics
Classification: Uncertain significance for Inborn genetic diseases. Last evaluated: 2023-12-28. Review status: criteria provided, single submitter. Criteria: Ambry Variant Classification Scheme 2023. Collection method: clinical testing. Allele origin: germline.

GeneDx
Classification: Uncertain significance. Last evaluated: 2019-05-28. Review status: criteria provided, single submitter. Criteria: GeneDx Variant Classification Process June 2021. Collection method: clinical testing. Allele origin: germline. Affected: yes.
Comment: In silico analysis, which includes protein predictors and evolutionary conservation, supports a deleterious effect; Has not been previously published as pathogenic or benign to our knowledge

ARUP Laboratories, Molecular Genetics and Genomics, ARUP Laboratories
Classification: Uncertain significance. Last evaluated: 2018-03-19. Review status: criteria provided, single submitter. Criteria: ARUP Molecular Germline Variant Investigation Process. Collection method: clinical testing. Allele origin: germline.
Comment: The p.Arg1947His variant (rs376315069) has not been reported in the medical literature, gene specific variation databases, nor has it been previously identified by our laboratory. This variant is listed in the Genome Aggregation Database (gnomAD) with an overall population frequency of 0.002 percent (identified on 6 out of 265,584 chromosomes). The arginine at position 1947 is highly conserved considering 7 species and computational analyses of the p.Arg1947His variant on protein structure and function indicate a deleterious effect (SIFT: damaging, PolyPhen-2: probably damaging). Altogether, there is not enough evidence to classify the p.Arg1947His variant with certainty.

NM_001145809.2(MYH14):c.5963G>A (p.Arg1988His)

Gene: MYH14 (myosin heavy chain 14; plus strand). Cytogenetic location: 19q13.33.
Variant type: single nucleotide variant.
Coding change: c.5963G>A on transcript NM_001145809.2 (MANE Select); coding-DNA position 5963, G replaced by A.
Protein change: p.Arg1988His; replaces arginine 1988 with histidine.
Molecular consequence: missense variant.
Genome position (GRCh38, 1-based): chr19:50,309,642, G>A. VCF-style: chr19-50309642-G-A. GRCh37 (hg19) VCF-style: chr19-50812899-G-A.
Other names: c.5864G>A, p.Arg1955His (NM_001077186.2); c.5840G>A, p.Arg1947His (NM_024729.4); short protein forms R1947H, R1988H, R1955H.
Identifiers: ClinVar variation 618740 (VCV000618740.11), dbSNP rs376315069, ClinGen allele CA9593970.
Genomic context (GRCh38, chr19:50,309,642, plus strand): 5'-TCTCCTCCCCTCCCCTCCCCTCATTTCATCTCTGTATCCTGGTCTCTCCTCCCCACAGAC[G>A]CGGCCCCCTCACCTTCACCACCCGCACGGTGCGCCAGGTCTTCCGACTAGAGGAGGGCGT-3'
Protein context (NP_001139281.1, residues 1978-1998): EVTTLRNRLR[Arg1988His]GPLTFTTRTV